The following is an entry in ClinVar:

NM_003978.5(PSTPIP1):c.607G>A (p.Ala203Thr)

Gene: PSTPIP1 (proline-serine-threonine phosphatase interacting protein 1; plus strand). Cytogenetic location: 15q24.3.
Variant type: single nucleotide variant.
Coding change: c.607G>A on transcript NM_003978.5 (MANE Select); coding-DNA position 607, G replaced by A.
Protein change: p.Ala203Thr; replaces alanine 203 with threonine.
Molecular consequence: missense variant.
Genome position (GRCh38, 1-based): chr15:77,030,546, G>A. VCF-style: chr15-77030546-G-A. GRCh37 (hg19) VCF-style: chr15-77322887-G-A.
Other names: c.607G>A, p.Ala203Thr (NM_001321135.2); c.580G>A, p.Ala194Thr (NM_001321136.2); c.802G>A, p.Ala268Thr (NM_001321137.1); short protein forms A194T, A203T, A268T.
Identifiers: ClinVar variation 1004116 (VCV001004116.9), dbSNP rs768226088, ClinGen allele CA7675900.

ClinVar aggregate classification (germline): Uncertain significance (1 of 4 stars; one submission).

Conditions:
Pyogenic arthritis-pyoderma gangrenosum-acne syndrome (PAPA). Also called: PAPA SYNDROME; FAMILIAL RECURRENT ARTHRITIS. Identifiers: Orphanet 69126, MedGen C1858361, MONDO:0011462, OMIM 604416.

Allele frequency attached by ClinVar (database versions not stated): gnomAD exomes below 0.00001; ExAC 0.00001.

Submission:

Labcorp Genetics (formerly Invitae), Labcorp
Classification: Uncertain significance for Pyogenic arthritis-pyoderma gangrenosum-acne syndrome. Last evaluated: 2023-06-23. Review status: criteria provided, single submitter. Criteria: Invitae Variant Classification Sherloc (09022015). Collection method: clinical testing. Allele origin: germline.
Comment: This variant is present in population databases (rs768226088, gnomAD 0.003%). This variant has not been reported in the literature in individuals affected with PSTPIP1-related conditions. ClinVar contains an entry for this variant (Variation ID: 1004116). Advanced modeling of protein sequence and biophysical properties (such as structural, functional, and spatial information, amino acid conservation, physicochemical variation, residue mobility, and thermodynamic stability) performed at Invitae indicates that this missense variant is not expected to disrupt PSTPIP1 protein function. In summary, the available evidence is currently insufficient to determine the role of this variant in disease. Therefore, it has been classified as a Variant of Uncertain Significance. This sequence change replaces alanine, which is neutral and non-polar, with threonine, which is neutral and polar, at codon 203 of the PSTPIP1 protein (p.Ala203Thr).